The following is an entry in ClinVar:

ClinVar aggregate classification (germline): Uncertain significance. Review status: criteria provided, multiple submitters, no conflicts (2 of 4 stars). 5 submissions from 5 submitters: Uncertain significance (5). Last evaluated 2025-06-25.

Conditions:
Arrhythmogenic right ventricular dysplasia 2. Identifiers: MedGen C1832931.
Ventricular arrhythmias due to cardiac ryanodine receptor calcium release deficiency syndrome. Also called: Autosomal dominant cardiac arrhythmia (Kuhn). Identifiers: MedGen C5542154, MONDO:0020745, OMIM 115000.
Catecholaminergic polymorphic ventricular tachycardia 1. Also called: VENTRICULAR TACHYCARDIA, CATECHOLAMINERGIC POLYMORPHIC, 1, WITH OR WITHOUT ATRIAL DYSFUNCTION AND/OR DILATED CARDIOMYOPATHY; RYR2-Related Catecholaminergic Polymorphic Ventricular Tachycardia; VENTRICULAR TACHYCARDIA, STRESS-INDUCED POLYMORPHIC 1. Identifiers: Orphanet 3286, MedGen C1631597, MONDO:0011484, OMIM 604772.
Cardiovascular phenotype. Identifiers: MedGen CN230736.
Catecholaminergic polymorphic ventricular tachycardia (CVPT). Also called: Catecholamine-induced polymorphic ventricular tachycardia. Identifiers: Orphanet 3286, MedGen C5574922, MONDO:0017990.
Cardiomyopathy (CMYO). Also called: Cardiomyopathies. Identifiers: Orphanet 167848, MedGen C0878544, MONDO:0004994, HP:0001638. Inheritance: Various modes of inheritance.

Allele frequency attached by ClinVar (database versions not stated): gnomAD exomes below 0.00001; gnomAD 0.00001 and 0.00002; TOPMed 0.00002.
gnomAD v4.1: 7 of 1,612,254 alleles (0.00043%); highest among the groups gnomAD compares: Middle Eastern, 0.016%; no homozygotes.

Submissions (5):

Color Diagnostics, LLC DBA Color Health
Classification: Uncertain significance for Cardiomyopathy. Last evaluated: 2025-06-25. Review status: criteria provided, single submitter. Criteria: ACMG Guidelines, 2015. Collection method: clinical testing. Allele origin: germline.
Comment: This missense variant replaces isoleucine with valine at codon 2917 of the RYR2 protein. Computational prediction suggests that this variant may not impact protein structure and function. To our knowledge, functional studies have not been reported for this variant. This variant has not been reported in individuals affected with RYR2-related disorders in the literature. This variant has been identified in 1/248796 chromosomes in the general population by the Genome Aggregation Database (gnomAD). The available evidence is insufficient to determine the role of this variant in disease conclusively. Therefore, this variant is classified as a Variant of Uncertain Significance.

Labcorp Genetics (formerly Invitae), Labcorp
Classification: Uncertain significance for Catecholaminergic polymorphic ventricular tachycardia 1. Last evaluated: 2025-01-29. Review status: criteria provided, single submitter. Criteria: Invitae Variant Classification Sherloc (09022015). Collection method: clinical testing. Allele origin: germline.
Comment: This sequence change replaces isoleucine, which is neutral and non-polar, with valine, which is neutral and non-polar, at codon 2917 of the RYR2 protein (p.Ile2917Val). This variant is present in population databases (no rsID available, gnomAD 0.0009%). This variant has not been reported in the literature in individuals affected with RYR2-related conditions. ClinVar contains an entry for this variant (Variation ID: 837653). Invitae Evidence Modeling of protein sequence and biophysical properties (such as structural, functional, and spatial information, amino acid conservation, physicochemical variation, residue mobility, and thermodynamic stability) indicates that this missense variant is not expected to disrupt RYR2 protein function with a negative predictive value of 95%. In summary, the available evidence is currently insufficient to determine the role of this variant in disease. Therefore, it has been classified as a Variant of Uncertain Significance.

Ambry Genetics
Classification: Uncertain significance for Cardiovascular phenotype. Last evaluated: 2024-05-29. Review status: criteria provided, single submitter. Criteria: Ambry Variant Classification Scheme 2023. Collection method: clinical testing. Allele origin: germline.
Comment: The p.I2917V variant (also known as c.8749A>G), located in coding exon 60 of the RYR2 gene, results from an A to G substitution at nucleotide position 8749. The isoleucine at codon 2917 is replaced by valine, an amino acid with highly similar properties. This amino acid position is highly conserved in available vertebrate species. In addition, this alteration is predicted to be tolerated by in silico analysis. Based on the available evidence, the clinical significance of this variant remains unclear.

All of Us Research Program, National Institutes of Health
Classification: Uncertain significance for Catecholaminergic polymorphic ventricular tachycardia. Last evaluated: 2023-03-23. Review status: criteria provided, single submitter. Criteria: ACMG Guidelines, 2015. Collection method: clinical testing. Allele origin: germline. Inheritance: Autosomal dominant inheritance. Observed: 1 variant allele, 1 heterozygote.
Comment: This missense variant replaces isoleucine with valine at codon 2917 of the RYR2 protein. Computational prediction suggests that this variant may not impact protein structure and function (internally defined REVEL score threshold <= 0.5, PMID: 27666373). To our knowledge, functional studies have not been reported for this variant. This variant has not been reported in individuals affected with RYR2-related disorders in the literature. This variant has been identified in 1/248796 chromosomes in the general population by the Genome Aggregation Database (gnomAD). The available evidence is insufficient to determine the role of this variant in disease conclusively. Therefore, this variant is classified as a Variant of Uncertain Significance.

This study involves interpretation of variants in research participants for the purpose of population health screening. Participant phenotype was not available at the time of variant classification. Additional details can be found in publication PMID: 35346344, PMCID: PMC8962531

Fulgent Genetics
Classification: Uncertain significance for Ventricular arrhythmias due to cardiac ryanodine receptor calcium release deficiency syndrome; Catecholaminergic polymorphic ventricular tachycardia 1. Last evaluated: 2022-03-03. Review status: criteria provided, single submitter. Criteria: ACMG Guidelines, 2015. Collection method: clinical testing. Allele origin: unknown.

NM_001035.3(RYR2):c.8749A>G (p.Ile2917Val)

Gene: RYR2 (ryanodine receptor 2; plus strand). Cytogenetic location: 1q43.
Variant type: single nucleotide variant.
Coding change: c.8749A>G on transcript NM_001035.3 (MANE Select); coding-DNA position 8749, A replaced by G.
Protein change: p.Ile2917Val; replaces isoleucine 2917 with valine.
Molecular consequence: missense variant.
Genome position (GRCh38, 1-based): chr1:237,674,765, A>G. VCF-style: chr1-237674765-A-G. GRCh37 (hg19) VCF-style: chr1-237838065-A-G.
Other names: short protein forms I2917V.
Identifiers: ClinVar variation 837653 (VCV000837653.16), dbSNP rs981753891, ClinGen allele CA39819801.
Genomic context (GRCh38, chr1:237,674,765, plus strand): 5'-TCCCATTTTCATTTTTGCTCTTCCAGAGGATTTAAGGACCTGGAACTGGACACGCCTTCT[A>G]TTGAGAAACGATTTGCCTATAGTTTCCTCCAACAACTCATTCGCTATGTGGATGAAGCCC-3'
Protein context (NP_001026.2, residues 2907-2927): FKDLELDTPS[Ile2917Val]EKRFAYSFLQ